The following is an entry in ClinVar:

ClinVar aggregate classification (germline): Uncertain significance (1 of 4 stars; one submission).

Allele frequency attached by ClinVar (database versions not stated): gnomAD exomes below 0.00001; TOPMed 0.00001.
gnomAD v4.1: 2 of 1,614,168 alleles (0.00012%); highest among the groups gnomAD compares: Admixed American, 0.0033%; no homozygotes.

Submission:

Labcorp Genetics (formerly Invitae), Labcorp
Classification: Uncertain significance. Last evaluated: 2023-11-08. Review status: criteria provided, single submitter. Criteria: Invitae Variant Classification Sherloc (09022015). Collection method: clinical testing. Allele origin: germline.
Comment: This sequence change replaces methionine, which is neutral and non-polar, with leucine, which is neutral and non-polar, at codon 336 of the EMC1 protein (p.Met336Leu). This variant is present in population databases (no rsID available, gnomAD 0.003%). This variant has not been reported in the literature in individuals affected with EMC1-related conditions. Advanced modeling of protein sequence and biophysical properties (such as structural, functional, and spatial information, amino acid conservation, physicochemical variation, residue mobility, and thermodynamic stability) performed at Invitae indicates that this missense variant is not expected to disrupt EMC1 protein function with a negative predictive value of 80%. In summary, the available evidence is currently insufficient to determine the role of this variant in disease. Therefore, it has been classified as a Variant of Uncertain Significance.

NM_015047.3(EMC1):c.1006A>C (p.Met336Leu)

Genes: EMC1 (ER membrane protein complex subunit 1; minus strand), EMC1-AS1 (EMC1 antisense RNA 1; plus strand). Cytogenetic location: 1p36.13.
Variant type: single nucleotide variant.
Coding change: c.1006A>C on transcript NM_015047.3 (MANE Select); coding-DNA position 1006, A replaced by C.
Protein change: p.Met336Leu; replaces methionine 336 with leucine.
Molecular consequence: missense variant.
Genome position (GRCh38, 1-based): chr1:19,239,251, T>G on the plus strand (A>C on the coding strand, the complement: EMC1 is on the minus strand). VCF-style: chr1-19239251-T-G. GRCh37 (hg19) VCF-style: chr1-19565745-T-G.
Other names: c.1006A>C, p.Met336Leu (NM_001271427.2, NM_001271428.2, NM_001375820.1 and 1 more transcripts); c.940A>C, p.Met314Leu (NM_001271429.2); short protein forms M336L, M314L.
Identifiers: ClinVar variation 2976305 (VCV002976305.3), dbSNP rs1258339799, ClinGen allele CA338767689.